The following is an entry in ClinVar:

ClinVar aggregate classification (germline): Uncertain significance (1 of 4 stars; one submission).

Conditions:
Familial cancer of breast. Also called: BREAST CANCER, FAMILIAL; Hereditary breast cancer; hereditary breast carcinoma. Identifiers: Orphanet 227535, MedGen C0346153, MONDO:0016419, OMIM 114480. Disease mechanism: loss of function.

Submission:

Labcorp Genetics (formerly Invitae), Labcorp
Classification: Uncertain significance for Familial cancer of breast. Last evaluated: 2025-04-08. Review status: criteria provided, single submitter. Criteria: Invitae Variant Classification Sherloc (09022015). Collection method: clinical testing. Allele origin: germline.
Comment: This sequence change falls in intron 8 of the CHEK2 gene. It does not directly change the encoded amino acid sequence of the CHEK2 protein. It affects a nucleotide within the consensus splice site. This variant is not present in population databases (gnomAD no frequency). This variant has not been reported in the literature in individuals affected with CHEK2-related conditions. ClinVar contains an entry for this variant (Variation ID: 1490024). Variants that disrupt the consensus splice site are a relatively common cause of aberrant splicing (PMID: 17576681, 9536098). Algorithms developed to predict the effect of sequence changes on RNA splicing suggest that this variant may disrupt the consensus splice site. In summary, the available evidence is currently insufficient to determine the role of this variant in disease. Therefore, it has been classified as a Variant of Uncertain Significance.

Literature cited by the submitters: PubMed 17576681; PubMed 9536098.

NM_007194.4(CHEK2):c.908+4A>G

Gene: CHEK2 (checkpoint kinase 2; minus strand). Cytogenetic location: 22q12.1.
Variant type: single nucleotide variant.
Coding change: c.908+4A>G on transcript NM_007194.4 (MANE Select); 4 bases into the intron after coding-DNA position 908, A replaced by G.
Molecular consequence: intron variant.
Genome position (GRCh38, 1-based): chr22:28,703,501, T>C on the plus strand (A>G on the coding strand, the complement: CHEK2 is on the minus strand). VCF-style: chr22-28703501-T-C. GRCh37 (hg19) VCF-style: chr22-29099489-T-C.
Other names: c.245+4A>G (NM_001437942.1, NM_001257387.3); c.707+4A>G (NM_001349956.3); c.908+4A>G (NM_145862.3); c.1001+4A>G (NM_001438295.1, NM_001438293.1); c.1037+4A>G (NM_001438294.1, NM_001005735.3).
Identifiers: ClinVar variation 1490024 (VCV001490024.7), dbSNP rs2145876658, ClinGen allele CA2573158042.
Genomic context (GRCh38, chr22:28,703,501, plus strand): 5'-TTCTTTGGTGGCTTTATAAAGCATTTGAATGGAAACAGAAATTTTTAAAAAGTTTACTAC[T>C]TACAATTCCAAAACAATATAATAATCTTCTGCATCAAAAAAGTTTTTAATCTTGATGATG-3'